The following is an entry in ClinVar:

ClinVar aggregate classification (germline): Uncertain significance (1 of 4 stars; one submission).

Submission:

Labcorp Genetics (formerly Invitae), Labcorp
Classification: Uncertain significance. Last evaluated: 2024-12-04. Review status: criteria provided, single submitter. Criteria: Invitae Variant Classification Sherloc (09022015). Collection method: clinical testing. Allele origin: germline.
Comment: This sequence change replaces arginine, which is basic and polar, with leucine, which is neutral and non-polar, at codon 173 of the PPP3CA protein (p.Arg173Leu). This variant is not present in population databases (gnomAD no frequency). This variant has not been reported in the literature in individuals affected with PPP3CA-related conditions. Invitae Evidence Modeling of protein sequence and biophysical properties (such as structural, functional, and spatial information, amino acid conservation, physicochemical variation, residue mobility, and thermodynamic stability) indicates that this missense variant is not expected to disrupt PPP3CA protein function with a negative predictive value of 80%. In summary, the available evidence is currently insufficient to determine the role of this variant in disease. Therefore, it has been classified as a Variant of Uncertain Significance.

NM_000944.5(PPP3CA):c.518G>T (p.Arg173Leu)

Gene: PPP3CA (protein phosphatase 3 catalytic subunit alpha; minus strand). Cytogenetic location: 4q24.
Variant type: single nucleotide variant.
Coding change: c.518G>T on transcript NM_000944.5 (MANE Select); coding-DNA position 518, G replaced by T.
Protein change: p.Arg173Leu; replaces arginine 173 with leucine.
Molecular consequence: missense variant.
Genome position (GRCh38, 1-based): chr4:101,098,491, C>A on the plus strand (G>T on the coding strand, the complement: PPP3CA is on the minus strand). VCF-style: chr4-101098491-C-A. GRCh37 (hg19) VCF-style: chr4-102019648-C-A.
Other names: c.518G>T, p.Arg173Leu (NM_001130691.2, NM_001130692.2); short protein forms R173L.
Identifiers: ClinVar variation 3667296 (VCV003667296.2).